The following is an entry in ClinVar:

NM_004612.4(TGFBR1):c.187G>A (p.Asp63Asn)

Gene: TGFBR1 (transforming growth factor beta receptor 1; plus strand). Cytogenetic location: 9q22.33.
Variant type: single nucleotide variant.
Coding change: c.187G>A on transcript NM_004612.4 (MANE Select); coding-DNA position 187, G replaced by A.
Protein change: p.Asp63Asn; replaces aspartic acid 63 with asparagine.
Molecular consequence: missense variant.
Genome position (GRCh38, 1-based): chr9:99,128,944, G>A. VCF-style: chr9-99128944-G-A. GRCh37 (hg19) VCF-style: chr9-101891226-G-A.
Other names: c.187G>A, p.Asp63Asn (NM_001130916.3, NM_001306210.2); short protein forms D63N.
Identifiers: ClinVar variation 565573 (VCV000565573.8), dbSNP rs200779997, ClinGen allele CA196882226.

ClinVar aggregate classification (germline): Uncertain significance. Review status: criteria provided, multiple submitters, no conflicts (2 of 4 stars). 3 submissions from 3 submitters: Uncertain significance (3). Last evaluated 2024-07-29.

Conditions:
Loeys-Dietz syndrome (LDS). Identifiers: Orphanet 60030, MedGen C2697932, MONDO:0018954.
Familial thoracic aortic aneurysm and aortic dissection (TAAD). Also called: Thoracic aortic aneurysms and dissections. Identifiers: Orphanet 91387, MedGen C4707243, MONDO:0019625.

Allele frequency attached by ClinVar (database versions not stated): gnomAD exomes below 0.00001; gnomAD 0.00001.
gnomAD v4.1: 3 of 1,613,824 alleles (0.00019%); highest among the groups gnomAD compares: Admixed American, 0.0017%; no homozygotes.

Submissions (3):

All of Us Research Program, National Institutes of Health
Classification: Uncertain significance for Loeys-Dietz syndrome. Last evaluated: 2024-07-29. Review status: criteria provided, single submitter. Criteria: ACMG Guidelines, 2015. Collection method: clinical testing. Allele origin: germline. Inheritance: Autosomal dominant inheritance. Observed: 2 variant alleles, 2 heterozygotes.
Comment: This missense variant replaces aspartic acid with asparagine at codon 63 of the TGFBR1 protein. Computational prediction suggests that this variant may not impact protein structure and function (internally defined REVEL score threshold <= 0.5, PMID: 27666373). To our knowledge, functional studies have not been reported for this variant. This variant has not been reported in individuals affected with TGFBR1-related disorders in the literature. This variant has been identified in 1/31390 chromosomes in the general population by the Genome Aggregation Database (gnomAD). The available evidence is insufficient to determine the role of this variant in disease conclusively. Therefore, this variant is classified as a Variant of Uncertain Significance.

This study involves interpretation of variants in research participants for the purpose of population health screening. Participant phenotype was not available at the time of variant classification. Additional details can be found in publication PMID: 35346344, PMCID: PMC8962531

Color Diagnostics, LLC DBA Color Health
Classification: Uncertain significance for Familial thoracic aortic aneurysm and aortic dissection. Last evaluated: 2024-04-17. Review status: criteria provided, single submitter. Criteria: ACMG Guidelines, 2015. Collection method: clinical testing. Allele origin: germline.
Comment: This missense variant replaces aspartic acid with asparagine at codon 63 of the TGFBR1 protein. Computational prediction suggests that this variant may not impact protein structure and function. To our knowledge, functional studies have not been reported for this variant. This variant has not been reported in individuals affected with TGFBR1-related disorders in the literature. This variant has been identified in 1/31390 chromosomes in the general population by the Genome Aggregation Database (gnomAD). The available evidence is insufficient to determine the role of this variant in disease conclusively. Therefore, this variant is classified as a Variant of Uncertain Significance.

Labcorp Genetics (formerly Invitae), Labcorp
Classification: Uncertain significance for Familial thoracic aortic aneurysm and aortic dissection. Last evaluated: 2021-08-26. Review status: criteria provided, single submitter. Criteria: Invitae Variant Classification Sherloc (09022015). Collection method: clinical testing. Allele origin: germline.
Comment: This sequence change replaces aspartic acid with asparagine at codon 63 of the TGFBR1 protein (p.Asp63Asn). The aspartic acid residue is moderately conserved and there is a small physicochemical difference between aspartic acid and asparagine. This variant is not present in population databases (ExAC no frequency). This variant has not been reported in the literature in individuals affected with TGFBR1-related conditions. Algorithms developed to predict the effect of missense changes on protein structure and function (SIFT, PolyPhen-2, Align-GVGD) all suggest that this variant is likely to be tolerated. In summary, the available evidence is currently insufficient to determine the role of this variant in disease. Therefore, it has been classified as a Variant of Uncertain Significance.